The following is an entry in ClinVar:

ClinVar aggregate classification (germline): Uncertain significance (1 of 4 stars; one submission).

gnomAD v4.1: 53 of 1,596,888 alleles (0.0033%); highest among the groups gnomAD compares: Non-Finnish European, 0.0044%; no homozygotes.

Submission:

Labcorp Genetics (formerly Invitae), Labcorp
Classification: Uncertain significance. Last evaluated: 2025-04-04. Review status: criteria provided, single submitter. Criteria: Invitae Variant Classification Sherloc (09022015). Collection method: clinical testing. Allele origin: germline.
Comment: This sequence change replaces serine, which is neutral and polar, with asparagine, which is neutral and polar, at codon 5 of the BRD4 protein (p.Ser5Asn). The frequency data for this variant in the population databases is considered unreliable, as metrics indicate poor data quality at this position in the gnomAD database. This variant has not been reported in the literature in individuals affected with BRD4-related conditions. Experimental studies and prediction algorithms are not available or were not evaluated, and the functional significance of this variant is currently unknown. In summary, the available evidence is currently insufficient to determine the role of this variant in disease. Therefore, it has been classified as a Variant of Uncertain Significance.

NM_001379291.1(BRD4):c.14G>A (p.Ser5Asn)

Gene: BRD4 (bromodomain containing 4; minus strand). Cytogenetic location: 19p13.12.
Variant type: single nucleotide variant.
Coding change: c.14G>A on transcript NM_001379291.1 (MANE Select); coding-DNA position 14, G replaced by A.
Protein change: p.Ser5Asn; replaces serine 5 with asparagine.
Molecular consequence: missense variant.
Genome position (GRCh38, 1-based): chr19:15,273,086, C>T on the plus strand (G>A on the coding strand, the complement: BRD4 is on the minus strand). VCF-style: chr19-15273086-C-T. GRCh37 (hg19) VCF-style: chr19-15383897-C-T.
Other names: c.14G>A, p.Ser5Asn (NM_001330384.2, NM_001379292.1, NM_014299.3 and 1 more transcripts); short protein forms S5N.
Identifiers: ClinVar variation 4706251 (VCV004706251.1).